The following is an entry in ClinVar:

NM_001130987.2(DYSF):c.5528C>A (p.Thr1843Asn)

Gene: DYSF (dysferlin; plus strand). Cytogenetic location: 2p13.2.
Variant type: single nucleotide variant.
Coding change: c.5528C>A on transcript NM_001130987.2 (MANE Select); coding-DNA position 5528, C replaced by A.
Protein change: p.Thr1843Asn; replaces threonine 1843 with asparagine.
Molecular consequence: missense variant.
Genome position (GRCh38, 1-based): chr2:71,668,824, C>A. VCF-style: chr2-71668824-C-A. GRCh37 (hg19) VCF-style: chr2-71895954-C-A.
Other names: c.5414C>A, p.Thr1805Asn (NM_001130455.2); c.5369C>A, p.Thr1790Asn (NM_001130976.2); c.5432C>A, p.Thr1811Asn (NM_001130977.2); c.5474C>A, p.Thr1825Asn (NM_001130978.2); c.5504C>A, p.Thr1835Asn (NM_001130979.2); c.5462C>A, p.Thr1821Asn (NM_001130980.2); c.5525C>A, p.Thr1842Asn (NM_001130981.2); c.5507C>A, p.Thr1836Asn (NM_001130982.2); and 5 more; short protein forms T1826N, T1835N, T1836N, T1842N, T1843N, T1790N, T1791N, T1804N.
Identifiers: ClinVar variation 3767705 (VCV003767705.1).
Genomic context (GRCh38, chr2:71,668,824, plus strand): 5'-AGATGTGGGTCGACCTATTTCCGAAGGCCCTGGGGCGGCCTGGACCTCCCTTCAACATCA[C>A]CCCACGGAGAGCCAGAAGGTGACTTGCCCAGCCACAGGCTCTGAGCTGGGCTGAGGGGTG-3'
Protein context (NP_001124459.1, residues 1833-1853): LGRPGPPFNI[Thr1843Asn]PRRARRFFLR

ClinVar aggregate classification (germline): Uncertain significance (1 of 4 stars; one submission).

gnomAD v4.1: 2 of 1,613,634 alleles (0.00012%); highest among the groups gnomAD compares: African/African-American, 0.0013%; no homozygotes.

Submission:

GeneDx
Classification: Uncertain significance. Last evaluated: 2024-09-05. Review status: criteria provided, single submitter. Criteria: GeneDx Variant Classification Process June 2021. Collection method: clinical testing. Allele origin: germline. Affected: yes.
Comment: Not observed at significant frequency in large population cohorts (gnomAD); In silico analysis supports that this missense variant has a deleterious effect on protein structure/function; Has not been previously published as pathogenic or benign to our knowledge; This variant is associated with the following publications: (PMID: 24438169)